The following is an entry in ClinVar:

ClinVar aggregate classification (germline): Uncertain significance (1 of 4 stars; one submission).

Submission:

GeneDx
Classification: Uncertain significance. Last evaluated: 2022-05-31. Review status: criteria provided, single submitter. Criteria: GeneDx Variant Classification Process June 2021. Collection method: clinical testing. Allele origin: germline. Affected: yes.
Comment: Not observed at significant frequency in large population cohorts (gnomAD); In silico analysis supports that this missense variant has a deleterious effect on protein structure/function; Has not been previously published as pathogenic or benign to our knowledge

NM_000890.5(KCNJ5):c.670C>G (p.Leu224Val)

Gene: KCNJ5 (potassium inwardly rectifying channel subfamily J member 5; plus strand). Cytogenetic location: 11q24.3.
Variant type: single nucleotide variant.
Coding change: c.670C>G on transcript NM_000890.5 (MANE Select); coding-DNA position 670, C replaced by G.
Protein change: p.Leu224Val; replaces leucine 224 with valine.
Molecular consequence: missense variant.
Genome position (GRCh38, 1-based): chr11:128,911,943, C>G. VCF-style: chr11-128911943-C-G. GRCh37 (hg19) VCF-style: chr11-128781838-C-G.
Other names: c.670C>G, p.Leu224Val (NM_001354169.2); short protein forms L224V.
Identifiers: ClinVar variation 1801934 (VCV001801934.1), dbSNP rs2135999392, ClinGen allele CA383249592.